The following is an entry in ClinVar:

ClinVar aggregate classification (germline): Uncertain significance (1 of 4 stars; one submission).

Conditions:
Cardiovascular phenotype. Identifiers: MedGen CN230736.

Submission:

Ambry Genetics
Classification: Uncertain significance for Cardiovascular phenotype. Last evaluated: 2024-12-05. Review status: criteria provided, single submitter. Criteria: Ambry Variant Classification Scheme 2023. Collection method: clinical testing. Allele origin: germline.
Comment: The p.S222I variant (also known as c.665G>T), located in coding exon 2 of the RASA1 gene, results from a G to T substitution at nucleotide position 665. The serine at codon 222 is replaced by isoleucine, an amino acid with dissimilar properties. This amino acid position is conserved. In addition, this alteration is predicted to be deleterious by in silico analysis. Based on the available evidence, the clinical significance of this variant remains unclear.

NM_002890.3(RASA1):c.665G>T (p.Ser222Ile)

Genes: CCNH (cyclin H; minus strand), RASA1 (RAS p21 protein activator 1; plus strand). Cytogenetic location: 5q14.3.
Variant type: single nucleotide variant.
Coding change: c.665G>T on transcript NM_002890.3 (MANE Select); coding-DNA position 665, G replaced by T.
Protein change: p.Ser222Ile; replaces serine 222 with isoleucine.
Molecular consequence: missense variant. On other transcripts: intron variant (1).
Genome position (GRCh38, 1-based): chr5:87,331,473, G>T. VCF-style: chr5-87331473-G-T. GRCh37 (hg19) VCF-style: chr5-86627290-G-T.
Other names: c.134G>T, p.Ser45Ile (NM_022650.3); c.934-18678C>A (NM_001364075.2); short protein forms S222I, S45I.
Identifiers: ClinVar variation 3430467 (VCV003430467.1).